The following is an entry in ClinVar:

ClinVar aggregate classification (germline): Likely pathogenic (1 of 4 stars; one submission).

Conditions:
ACCES syndrome (ACCES). Also called: APLASIA CUTIS CONGENITA WITH ECTRODACTYLY SKELETAL SYNDROME. Identifiers: MedGen C5677019, MONDO:0859262, OMIM 619959.

Submission:

Clinical Biomedical Laboratory, Shriners Hospital For Children - Canada
Classification: Likely pathogenic for ACCES syndrome. Last evaluated: 2025-10-05. Review status: criteria provided, single submitter. Criteria: ACMG Guidelines, 2015. Collection method: clinical testing. Allele origin: germline. Affected: yes.
Comment: This variant is predicted to affect a canonical splice site in UBA2. This variant is expected to disrupt RNA splicing and lead to loss of function of the affected allele. Loss-of-function variants in UBA2 are associated with aplasia cutis congenita with ectrodactyly skeletal syndrome (ACCES syndrome). The manifestations of this condition are highly variable even among members of the same family (PMID 34040189). This variant is absent from the Genome Aggregation Database (v2.1.1), indicating it is very rare.

Literature cited by the submitters: PubMed 34040189.

NM_005499.3(UBA2):c.1038+1G>A

Gene: UBA2 (ubiquitin like modifier activating enzyme 2; plus strand). Cytogenetic location: 19q13.11.
Variant type: single nucleotide variant.
Coding change: c.1038+1G>A on transcript NM_005499.3 (MANE Select); the canonical splice donor site of the intron after coding-DNA position 1038, G replaced by A.
Molecular consequence: splice donor variant.
Genome position (GRCh38, 1-based): chr19:34,452,148, G>A. VCF-style: chr19-34452148-G-A. GRCh37 (hg19) VCF-style: chr19-34943053-G-A.
Other names: c.750+1G>A (NM_001411139.1).
Identifiers: ClinVar variation 4280641 (VCV004280641.1).